The following is an entry in ClinVar:

ClinVar aggregate classification (germline): Uncertain significance. Review status: criteria provided, multiple submitters, no conflicts (2 of 4 stars). 2 submissions from 2 submitters: Uncertain significance (2). Last evaluated 2025-06-24.

Conditions:
SPTBN2-related disorder. Also called: SPTBN2-related condition.

Allele frequency attached by ClinVar (database versions not stated): gnomAD 0.00001; TOPMed 0.00002; ESP Exome Variant Server 0.00008.
gnomAD v4.1: 3 of 1,603,676 alleles (0.00019%); highest among the groups gnomAD compares: African/African-American, 0.0027%; no homozygotes.

Submissions (2):

PreventionGenetics, part of Exact Sciences
Classification: Uncertain significance for SPTBN2-related condition. Last evaluated: 2025-06-24. Review status: criteria provided, single submitter. Criteria: ACMG Guidelines, 2015. Collection method: clinical testing. Allele origin: germline.
Comment: The SPTBN2 c.2527G>A variant is predicted to result in the amino acid substitution p.Glu843Lys. To our knowledge, this variant has not been reported in the literature. This variant is reported in 0.0046% of alleles in individuals of African descent in gnomAD. At this time, the clinical significance of this variant is uncertain due to the absence of conclusive functional and genetic evidence.

Athena Diagnostics
Classification: Uncertain significance. Last evaluated: 2022-04-05. Review status: criteria provided, single submitter. Criteria: Athena Diagnostics Criteria. Collection method: clinical testing. Allele origin: unknown.

NM_006946.4(SPTBN2):c.2527G>A (p.Glu843Lys)

Gene: SPTBN2 (spectrin beta, non-erythrocytic 2; minus strand). Cytogenetic location: 11q13.2.
Variant type: single nucleotide variant.
Coding change: c.2527G>A on transcript NM_006946.4 (MANE Select); coding-DNA position 2527, G replaced by A.
Protein change: p.Glu843Lys; replaces glutamic acid 843 with lysine.
Molecular consequence: missense variant.
Genome position (GRCh38, 1-based): chr11:66,704,749, C>T on the plus strand (G>A on the coding strand, the complement: SPTBN2 is on the minus strand). VCF-style: chr11-66704749-C-T. GRCh37 (hg19) VCF-style: chr11-66472220-C-T.
Other names: c.2548G>A, p.Glu850Lys (NM_001411025.1); short protein forms E843K, E850K.
Identifiers: ClinVar variation 1806939 (VCV001806939.2), dbSNP rs377045177, ClinGen allele CA224085685.